The following is an entry in ClinVar:

NM_001371986.1(UNC80):c.9680C>T (p.Ala3227Val)

Gene: UNC80 (unc-80 homolog, NALCN channel complex subunit; plus strand). Cytogenetic location: 2q34.
Variant type: single nucleotide variant.
Coding change: c.9680C>T on transcript NM_001371986.1 (MANE Select); coding-DNA position 9680, C replaced by T.
Protein change: p.Ala3227Val; replaces alanine 3227 with valine.
Molecular consequence: missense variant.
Genome position (GRCh38, 1-based): chr2:209,994,236, C>T. VCF-style: chr2-209994236-C-T. GRCh37 (hg19) VCF-style: chr2-210858960-C-T.
Other names: c.9482C>T, p.Ala3161Val (NM_032504.2); c.9410C>T, p.Ala3137Val (NM_182587.4); short protein forms A3137V, A3161V, A3227V.
Identifiers: ClinVar variation 1399750 (VCV001399750.3), dbSNP rs368594548, ClinGen allele CA2083703.

ClinVar aggregate classification (germline): Uncertain significance (1 of 4 stars; one submission).

Allele frequency attached by ClinVar (database versions not stated): TOPMed 0.00015; 1000 Genomes Project 30x 0.00016; gnomAD exomes 0.00017; ExAC 0.00020; ESP Exome Variant Server 0.00022; gnomAD 0.00022 and 0.00023; 1000 Genomes Project 0.00040.
gnomAD v4.1: 467 of 1,550,736 alleles (0.03%); highest among the groups gnomAD compares: Non-Finnish European, 0.04%; no homozygotes.

Submission:

Labcorp Genetics (formerly Invitae), Labcorp
Classification: Uncertain significance. Last evaluated: 2022-09-12. Review status: criteria provided, single submitter. Criteria: Invitae Variant Classification Sherloc (09022015). Collection method: clinical testing. Allele origin: germline.
Comment: This sequence change replaces alanine, which is neutral and non-polar, with valine, which is neutral and non-polar, at codon 3161 of the UNC80 protein (p.Ala3161Val). This variant is present in population databases (rs368594548, gnomAD 0.05%). This variant has not been reported in the literature in individuals affected with UNC80-related conditions. ClinVar contains an entry for this variant (Variation ID: 1399750). Advanced modeling of protein sequence and biophysical properties (such as structural, functional, and spatial information, amino acid conservation, physicochemical variation, residue mobility, and thermodynamic stability) performed at Invitae indicates that this missense variant is not expected to disrupt UNC80 protein function. In summary, the available evidence is currently insufficient to determine the role of this variant in disease. Therefore, it has been classified as a Variant of Uncertain Significance.